The following is an entry in ClinVar:

NM_201384.3(PLEC):c.7097G>A (p.Arg2366Gln)

Gene: PLEC (plectin; minus strand). Cytogenetic location: 8q24.3.
Variant type: single nucleotide variant.
Coding change: c.7097G>A on transcript NM_201384.3 (MANE Select); coding-DNA position 7097, G replaced by A.
Protein change: p.Arg2366Gln; replaces arginine 2366 with glutamine.
Molecular consequence: missense variant.
Genome position (GRCh38, 1-based): chr8:143,922,832, C>T on the plus strand (G>A on the coding strand, the complement: PLEC is on the minus strand). VCF-style: chr8-143922832-C-T. GRCh37 (hg19) VCF-style: chr8-144997000-C-T.
Other names: c.7178G>A, p.Arg2393Gln (NM_000445.5); c.7055G>A, p.Arg2352Gln (NM_201378.4); c.7031G>A, p.Arg2344Gln (NM_201379.3); c.7508G>A, p.Arg2503Gln (NM_201380.4); c.7001G>A, p.Arg2334Gln (NM_201381.3); c.7097G>A, p.Arg2366Gln (NM_201382.4); c.7109G>A, p.Arg2370Gln (NM_201383.3); short protein forms R2334Q, R2344Q, R2352Q, R2366Q, R2370Q, R2393Q, R2503Q.
Identifiers: ClinVar variation 509233 (VCV000509233.10), dbSNP rs576252504, ClinGen allele CA4925761.

ClinVar aggregate classification (germline): Conflicting classifications of pathogenicity. Review status: criteria provided, conflicting classifications (1 of 4 stars). 4 submissions from 4 submitters: Uncertain significance (3); Likely benign (1). Last evaluated 2025-10-21.

Conditions:
Autosomal recessive limb-girdle muscular dystrophy type 2Q (LGMDR17). Also called: MUSCULAR DYSTROPHY, LIMB-GIRDLE, AUTOSOMAL RECESSIVE 17. Identifiers: Orphanet 254361, MedGen C3150989, MONDO:0013390, OMIM 613723.
Epidermolysis bullosa simplex 5C, with pyloric atresia (EBS5C). Also called: Epidermolysis bullosa simplex with pyloric atresia; PLEC-Related Epidermolysis Bullosa with Pyloric Atresia; PLEC1-Related Epidermolysis Bullosa with Pyloric Atresia. Identifiers: Orphanet 158684, MedGen C2677349, MONDO:0012807, OMIM 612138.
Epidermolysis bullosa simplex 5B, with muscular dystrophy (EBS5B). Also called: EPIDERMOLYSIS BULLOSA SIMPLEX AND LIMB-GIRDLE MUSCULAR DYSTROPHY; Epidermolysis bullosa simplex with muscular dystrophy. Identifiers: Orphanet 257, MedGen C2931072, MONDO:0009181, OMIM 226670.
Epidermolysis bullosa simplex with nail dystrophy (EBS5D). Identifiers: MedGen C4225309, MONDO:0014661, OMIM 616487.
Epidermolysis bullosa simplex, Ogna type (EBS5A). Also called: Pidermolysis bullosa simplex 5A, Ogna type; EPIDERMOLYSIS BULLOSA SIMPLEX 5A, OGNA TYPE. Identifiers: Orphanet 79401, MedGen C0432317, MONDO:0007555, OMIM 131950.

Allele frequency attached by ClinVar (database versions not stated): gnomAD below 0.00001 and 0.00003; TOPMed 0.00003; gnomAD exomes 0.00004 and 0.00006; ExAC 0.00017; 1000 Genomes Project 30x 0.00031; 1000 Genomes Project 0.00040.
gnomAD v4.1: 61 of 1,582,346 alleles (0.0039%); highest among the groups gnomAD compares: South Asian, 0.013%; no homozygotes.

Submissions (4):

Labcorp Genetics (formerly Invitae), Labcorp
Classification: Uncertain significance for Autosomal recessive limb-girdle muscular dystrophy type 2Q; Epidermolysis bullosa simplex, Ogna type; Epidermolysis bullosa simplex with nail dystrophy; Epidermolysis bullosa simplex 5C, with pyloric atresia; Epidermolysis bullosa simplex 5B, with muscular dystrophy. Last evaluated: 2025-10-21. Review status: criteria provided, single submitter. Criteria: Invitae Variant Classification Sherloc (09022015). Collection method: clinical testing. Allele origin: germline.
Comment: This sequence change replaces arginine, which is basic and polar, with glutamine, which is neutral and polar, at codon 2393 of the PLEC protein (p.Arg2393Gln). This variant is present in population databases (rs576252504, gnomAD 0.01%). This variant has not been reported in the literature in individuals affected with PLEC-related conditions. ClinVar contains an entry for this variant (Variation ID: 509233). An algorithm developed to predict the effect of missense changes on protein structure and function (PolyPhen-2) suggests that this variant is likely to be disruptive. In summary, the available evidence is currently insufficient to determine the role of this variant in disease. Therefore, it has been classified as a Variant of Uncertain Significance.

Athena Diagnostics
Classification: Uncertain significance. Last evaluated: 2024-05-07. Review status: criteria provided, single submitter. Criteria: Athena Diagnostics Criteria. Collection method: clinical testing. Allele origin: unknown.
Comment: Available data are insufficient to determine the clinical significance of the variant at this time. The frequency of this variant in the general population is uninformative in assessment of its pathogenicity. Polyphen and MutationTaster predict this amino acid change may be benign.

Revvity Omics, Revvity
Classification: Uncertain significance. Last evaluated: 2019-09-20. Review status: criteria provided, single submitter. Criteria: ACMG Guidelines, 2015. Collection method: clinical testing. Allele origin: germline.

GeneDx
Classification: Likely benign. Last evaluated: 2017-05-03. Review status: criteria provided, single submitter. Criteria: GeneDx Variant Classification (06012015). Collection method: clinical testing. Allele origin: germline. Affected: yes.
Comment: This variant is considered likely benign or benign based on one or more of the following criteria: it is a conservative change, it occurs at a poorly conserved position in the protein, it is predicted to be benign by multiple in silico algorithms, and/or has population frequency not consistent with disease.